The following is an entry in ClinVar:

NC_000010.11:g.(102253109_123049929)inv

Gene: PITX3 (paired like homeodomain 3; minus strand).
Variant type: Inversion.
Identifiers: ClinVar variation 4796501 (VCV004796501.1).

ClinVar aggregate classification (germline): Uncertain significance (1 of 4 stars; one submission).

Conditions:
Cataract-glaucoma syndrome. Also called: Cataract - glaucoma. Identifiers: Orphanet 162, MedGen C4305131, MONDO:0015567.

Submission:

Genetics Department, University Hospital of Toulouse
Classification: Uncertain significance for Cataract-glaucoma syndrome. Last evaluated: 2025-10-05. Review status: criteria provided, single submitter. Criteria: ACMG/ClinGen CNV Guidelines, 2019. Collection method: clinical testing. Allele origin: de novo. Affected: yes.
Comment: It is preditected to decrease PITX3 expression (POSTRE, PMID: 36999617). It was classified as VUS.